The following is an entry in ClinVar:

ClinVar aggregate classification (germline): Uncertain significance (1 of 4 stars; one submission).

Allele frequency attached by ClinVar (database versions not stated): gnomAD exomes below 0.00001; TOPMed 0.00003; gnomAD 0.00001.
gnomAD v4.1: 3 of 1,613,958 alleles (0.00019%); highest among the groups gnomAD compares: African/African-American, 0.0027%; no homozygotes.

Submission:

GeneDx
Classification: Uncertain significance. Last evaluated: 2026-10-09. Review status: criteria provided, single submitter. Criteria: GeneDx Variant Classification Process June 2021. Collection method: clinical testing. Allele origin: germline.
Comment: Not observed at significant frequency in large population cohorts (gnomAD); In silico analysis supports that this missense variant has a deleterious effect on protein structure/function; Has not been previously published as pathogenic or benign to our knowledge

NM_004999.4(MYO6):c.1733T>A (p.Ile578Asn)

Gene: MYO6 (myosin VI; plus strand). Cytogenetic location: 6q14.1.
Variant type: single nucleotide variant.
Coding change: c.1733T>A on transcript NM_004999.4 (MANE Select); coding-DNA position 1733, T replaced by A.
Protein change: p.Ile578Asn; replaces isoleucine 578 with asparagine.
Molecular consequence: missense variant. On other transcripts: non-coding transcript variant (1).
Genome position (GRCh38, 1-based): chr6:75,866,584, T>A. VCF-style: chr6-75866584-T-A. GRCh37 (hg19) VCF-style: chr6-76576301-T-A.
Other names: c.1733T>A, p.Ile578Asn (NM_001300899.2, NM_001368136.1, NM_001368137.1 and 2 more transcripts); c.1718T>A, p.Ile573Asn (NM_001368138.1); short protein forms I573N, I578N.
Identifiers: ClinVar variation 1722792 (VCV001722792.3), dbSNP rs937514167, ClinGen allele CA141064349.